The following is an entry in ClinVar:

ClinVar aggregate classification (germline): Uncertain significance. Review status: criteria provided, single submitter (1 of 4 stars). 2 submissions from 2 submitters: Uncertain significance (1). 1 of the submissions does not count toward it. Last evaluated 2026-03-16.

Conditions:
Fetal anomalies with a likely genetic cause.
Spastic ataxia 10, autosomal recessive (SPAX10). Identifiers: MedGen C5882738, MONDO:0958009, OMIM 620666.

Allele frequency attached by ClinVar (database versions not stated): gnomAD exomes 0.00001; gnomAD 0.00003; TOPMed 0.00003; ExAC 0.00005.
gnomAD v4.1: 14 of 1,594,156 alleles (0.00088%); highest among the groups gnomAD compares: Middle Eastern, 0.017%; no homozygotes.

Submissions (2):

Genetics Laboratory, Great Ormond Street Hospital NHS Foundation Trust, North Thames Genomic Laboratory Hub
Classification: Uncertain significance for Fetal anomalies with a likely genetic cause. Last evaluated: 2026-03-16. Review status: criteria provided, single submitter. Criteria: ACGS Best Practice Guidelines for Variant Classification in Rare Disease 2024 v1.2. Collection method: clinical testing. Allele origin: germline. Affected: yes.
Comment: PM2_moderate, BP4_supporting, PS3_supporting, PM3_moderate

OMIM
Classification: Pathogenic for SPASTIC ATAXIA 10, AUTOSOMAL RECESSIVE. Last evaluated: 2024-02-15. Review status: no assertion criteria provided. Collection method: literature only. Allele origin: germline. Not counted in ClinVar's aggregate classification.

Literature cited by the submitters: PubMed 38014483 (cited by OMIM).

NM_016035.5(COQ4):c.434G>A (p.Arg145His)

Gene: COQ4 (coenzyme Q4; plus strand). Cytogenetic location: 9q34.11.
Variant type: single nucleotide variant.
Coding change: c.434G>A on transcript NM_016035.5 (MANE Select); coding-DNA position 434, G replaced by A.
Protein change: p.Arg145His; replaces arginine 145 with histidine.
Molecular consequence: missense variant. On other transcripts: intron variant (1).
Genome position (GRCh38, 1-based): chr9:128,332,184, G>A. VCF-style: chr9-128332184-G-A. GRCh37 (hg19) VCF-style: chr9-131094463-G-A.
Other names: c.*3-1290G>A (NM_001305942.2); short protein forms R145H.
Identifiers: ClinVar variation 2686020 (VCV002686020.3), dbSNP rs762170679, ClinGen allele CA5260574.